The following is an entry in ClinVar:

ClinVar aggregate classification (germline): Uncertain significance. Review status: criteria provided, multiple submitters, no conflicts (2 of 4 stars). 2 submissions from 2 submitters: Uncertain significance (2). Last evaluated 2022-06-15.

Conditions:
Primary ciliary dyskinesia. Also called: Ciliary dyskinesia. Identifiers: Orphanet 244, MedGen C0008780, MONDO:0016575, HP:0012265.

Allele frequency attached by ClinVar (database versions not stated): TOPMed below 0.00001; gnomAD 0.00001; gnomAD exomes 0.00002.
gnomAD v4.1: 24 of 1,243,146 alleles (0.0019%); highest among the groups gnomAD compares: African/African-American, 0.0031%; no homozygotes.

Submissions (2):

Labcorp Genetics (formerly Invitae), Labcorp
Classification: Uncertain significance for Primary ciliary dyskinesia. Last evaluated: 2022-06-15. Review status: criteria provided, single submitter. Criteria: Invitae Variant Classification Sherloc (09022015). Collection method: clinical testing. Allele origin: germline.
Comment: This variant is not present in population databases (gnomAD no frequency). In summary, the available evidence is currently insufficient to determine the role of this variant in disease. Therefore, it has been classified as a Variant of Uncertain Significance. Algorithms developed to predict the effect of missense changes on protein structure and function output the following: SIFT: "Tolerated"; PolyPhen-2: "Not Available"; Align-GVGD: "Class C0". The alanine amino acid residue is found in multiple mammalian species, which suggests that this missense change does not adversely affect protein function. This variant has not been reported in the literature in individuals affected with DNAAF5-related conditions. This sequence change replaces valine, which is neutral and non-polar, with alanine, which is neutral and non-polar, at codon 6 of the DNAAF5 protein (p.Val6Ala).

Ambry Genetics
Classification: Uncertain significance for Primary ciliary dyskinesia. Last evaluated: 2017-04-10. Review status: criteria provided, single submitter. Criteria: Ambry Variant Classification Scheme 2023. Collection method: clinical testing. Allele origin: germline.
Comment: The p.V6A variant (also known as c.17T>C), located in coding exon 1 of the DNAAF5 gene, results from a T to C substitution at nucleotide position 17. The valine at codon 6 is replaced by alanine, an amino acid with similar properties. This amino acid position is poorly conserved in available vertebrate species. In addition, this alteration is predicted to be tolerated by in silico analysis. Since supporting evidence is limited at this time, the clinical significance of this alteration remains unclear.

NM_017802.4(DNAAF5):c.17T>C (p.Val6Ala)

Genes: PRKAR1B (protein kinase cAMP-dependent type I regulatory subunit beta; minus strand), DNAAF5 (dynein axonemal assembly factor 5; plus strand). Cytogenetic location: 7p22.3.
Variant type: single nucleotide variant.
Coding change: c.17T>C on transcript NM_017802.4 (MANE Select); coding-DNA position 17, T replaced by C.
Protein change: p.Val6Ala; replaces valine 6 with alanine.
Molecular consequence: missense variant. On other transcripts: non-coding transcript variant (1), intron variant (3).
Genome position (GRCh38, 1-based): chr7:726,737, T>C. VCF-style: chr7-726737-T-C. GRCh37 (hg19) VCF-style: chr7-766374-T-C.
Other names: c.-23+918A>G (NM_001164759.1); c.-23+853A>G (NM_001164758.2); c.-23+473A>G (NM_001164760.2); short protein forms V6A.
Identifiers: ClinVar variation 1780377 (VCV001780377.7), dbSNP rs1457911742, ClinGen allele CA366529581.